The following is an entry in ClinVar:

ClinVar aggregate classification (germline): Uncertain significance (1 of 4 stars; one submission).

Conditions:
Legius syndrome. Identifiers: Orphanet 137605, MedGen C1969623, MONDO:0012669, OMIM 611431. Disease mechanism: loss of function.

Submission:

Labcorp Genetics (formerly Invitae), Labcorp
Classification: Uncertain significance for Legius syndrome. Last evaluated: 2023-12-06. Review status: criteria provided, single submitter. Criteria: Invitae Variant Classification Sherloc (09022015). Collection method: clinical testing. Allele origin: germline.
Comment: This sequence change falls in intron 5 of the SPRED1 gene. It does not directly change the encoded amino acid sequence of the SPRED1 protein. It affects a nucleotide within the consensus splice site. This variant is not present in population databases (gnomAD no frequency). This variant has not been reported in the literature in individuals affected with SPRED1-related conditions. Variants that disrupt the consensus splice site are a relatively common cause of aberrant splicing (PMID: 17576681, 9536098). Algorithms developed to predict the effect of sequence changes on RNA splicing suggest that this variant is not likely to affect RNA splicing. In summary, the available evidence is currently insufficient to determine the role of this variant in disease. Therefore, it has been classified as a Variant of Uncertain Significance.

Literature cited by the submitters: PubMed 17576681; PubMed 9536098.

NM_152594.3(SPRED1):c.582+4A>C

Gene: SPRED1 (sprouty related EVH1 domain containing 1; plus strand). Cytogenetic location: 15q14.
Variant type: single nucleotide variant.
Coding change: c.582+4A>C on transcript NM_152594.3 (MANE Select); 4 bases into the intron after coding-DNA position 582, A replaced by C.
Molecular consequence: intron variant.
Genome position (GRCh38, 1-based): chr15:38,339,899, A>C. VCF-style: chr15-38339899-A-C. GRCh37 (hg19) VCF-style: chr15-38632100-A-C.
Identifiers: ClinVar variation 2898292 (VCV002898292.3), dbSNP rs2542724100, ClinGen allele CA2739279487.
Genomic context (GRCh38, chr15:38,339,899, plus strand): 5'-TCTCCCTTTGAAGATCTGAATGCCAGAAGAGTCTACATGCAAAGCCAAGCCAATCAGGTA[A>C]GAAGATAAAATATTTTTTCGGCGCGTTGTTTATATGTGTAGAAATTGAATGATGTCATAG-3'